The following is an entry in ClinVar:

NM_001903.5(CTNNA1):c.74T>G (p.Val25Gly)

Gene: CTNNA1 (catenin alpha 1; plus strand). Cytogenetic location: 5q31.2.
Variant type: single nucleotide variant.
Coding change: c.74T>G on transcript NM_001903.5 (MANE Select); coding-DNA position 74, T replaced by G.
Protein change: p.Val25Gly; replaces valine 25 with glycine.
Molecular consequence: missense variant. On other transcripts: 5 prime UTR variant (2).
Genome position (GRCh38, 1-based): chr5:138,781,998, T>G. VCF-style: chr5-138781998-T-G. GRCh37 (hg19) VCF-style: chr5-138117687-T-G.
Other names: c.74T>G, p.Val25Gly (NM_001323985.2, NM_001323986.2, NM_001290307.3 and 3 more transcripts); c.-40T>G (NM_001290309.3); c.-133T>G (NM_001290310.3); c.74T>G (NM_001903.3); short protein forms V25G.
Identifiers: ClinVar variation 3270076 (VCV003270076.2).

ClinVar aggregate classification (germline): Uncertain significance. Review status: criteria provided, multiple submitters, no conflicts (2 of 4 stars). 2 submissions from 2 submitters: Uncertain significance (2). Last evaluated 2024-04-22.

Conditions:
Hereditary cancer-predisposing syndrome. Also called: Tumor predisposition; Hereditary Cancer Syndrome; Hereditary neoplastic syndrome; Neoplastic Syndromes, Hereditary. Identifiers: Orphanet 140162, MedGen C0027672, MeSH D009386, MONDO:0015356.

Submissions (2):

Ambry Genetics
Classification: Uncertain significance for Hereditary cancer-predisposing syndrome. Last evaluated: 2024-04-22. Review status: criteria provided, single submitter. Criteria: Ambry Variant Classification Scheme 2023. Collection method: clinical testing. Allele origin: germline.
Comment: The p.V25G variant (also known as c.74T>G), located in coding exon 1 of the CTNNA1 gene, results from a T to G substitution at nucleotide position 74. The valine at codon 25 is replaced by glycine, an amino acid with dissimilar properties. This amino acid position is conserved. In addition, this alteration is predicted to be deleterious by in silico analysis. Based on the available evidence, the clinical significance of this variant remains unclear.

GeneDx
Classification: Uncertain significance. Last evaluated: 2023-12-24. Review status: criteria provided, single submitter. Criteria: GeneDx Variant Classification Process June 2021. Collection method: clinical testing. Allele origin: germline. Affected: yes.
Comment: Not observed at significant frequency in large population cohorts (gnomAD); In silico analysis supports that this missense variant has a deleterious effect on protein structure/function; In silico analysis suggests this variant may impact gene splicing. In the absence of RNA/functional studies, the actual effect of this sequence change is unknown.; Has not been previously published as pathogenic or benign to our knowledge